The following is an entry in ClinVar:

NM_005751.5(AKAP9):c.9868G>A (p.Glu3290Lys)

Gene: AKAP9 (A-kinase anchoring protein 9; plus strand). Cytogenetic location: 7q21.2.
Variant type: single nucleotide variant.
Coding change: c.9868G>A on transcript NM_005751.5 (MANE Select); coding-DNA position 9868, G replaced by A.
Protein change: p.Glu3290Lys; replaces glutamic acid 3290 with lysine.
Molecular consequence: missense variant.
Genome position (GRCh38, 1-based): chr7:92,096,827, G>A. VCF-style: chr7-92096827-G-A. GRCh37 (hg19) VCF-style: chr7-91726141-G-A.
Other names: c.4513G>A, p.Glu1505Lys (NM_001379277.1); c.9844G>A, p.Glu3282Lys (NM_147185.3); short protein forms E3290K, E3282K, E1505K.
Identifiers: ClinVar variation 2869425 (VCV002869425.4), dbSNP rs758400476, ClinGen allele CA4337862.

ClinVar aggregate classification (germline): Uncertain significance. Review status: criteria provided, multiple submitters, no conflicts (2 of 4 stars). 2 submissions from 2 submitters: Uncertain significance (2). Last evaluated 2024-02-09.

Conditions:
Cardiovascular phenotype. Identifiers: MedGen CN230736.
Long QT syndrome (LQTS). Identifiers: MedGen C0023976, MeSH D008133, MONDO:0002442. Disease mechanism: loss of function. Inheritance: Various modes of inheritance.

Allele frequency attached by ClinVar (database versions not stated): gnomAD exomes below 0.00001; ExAC 0.00001.
gnomAD v4.1: 7 of 1,614,150 alleles (0.00043%); highest among the groups gnomAD compares: South Asian, 0.0011%; no homozygotes.

Submissions (2):

Ambry Genetics
Classification: Uncertain significance for Cardiovascular phenotype. Last evaluated: 2024-02-09. Review status: criteria provided, single submitter. Criteria: Ambry Variant Classification Scheme 2023. Collection method: clinical testing. Allele origin: germline.
Comment: The p.E3290K variant (also known as c.9868G>A), located in coding exon 41 of the AKAP9 gene, results from a G to A substitution at nucleotide position 9868. The glutamic acid at codon 3290 is replaced by lysine, an amino acid with similar properties. This amino acid position is conserved. In addition, this alteration is predicted to be tolerated by in silico analysis. Based on the available evidence, the clinical significance of this alteration remains unclear.

Labcorp Genetics (formerly Invitae), Labcorp
Classification: Uncertain significance for Long QT syndrome. Last evaluated: 2022-12-26. Review status: criteria provided, single submitter. Criteria: Invitae Variant Classification Sherloc (09022015). Collection method: clinical testing. Allele origin: germline.
Comment: Algorithms developed to predict the effect of missense changes on protein structure and function are either unavailable or do not agree on the potential impact of this missense change (SIFT: "Tolerated"; PolyPhen-2: "Probably Damaging"; Align-GVGD: "Class C0"). In summary, the available evidence is currently insufficient to determine the role of this variant in disease. Therefore, it has been classified as a Variant of Uncertain Significance. This variant has not been reported in the literature in individuals affected with AKAP9-related conditions. This sequence change replaces glutamic acid, which is acidic and polar, with lysine, which is basic and polar, at codon 3290 of the AKAP9 protein (p.Glu3290Lys). This variant is present in population databases (rs758400476, gnomAD 0.003%).